The following is an entry in ClinVar:

NM_022356.4(P3H1):c.1601G>A (p.Ser534Asn)

Gene: P3H1 (prolyl 3-hydroxylase 1; minus strand). Cytogenetic location: 1p34.2.
Variant type: single nucleotide variant.
Coding change: c.1601G>A on transcript NM_022356.4 (MANE Select); coding-DNA position 1601, G replaced by A.
Protein change: p.Ser534Asn; replaces serine 534 with asparagine.
Molecular consequence: missense variant.
Genome position (GRCh38, 1-based): chr1:42,750,305, C>T on the plus strand (G>A on the coding strand, the complement: P3H1 is on the minus strand). VCF-style: chr1-42750305-C-T. GRCh37 (hg19) VCF-style: chr1-43215976-C-T.
Other names: c.1601G>A, p.Ser534Asn (NM_001146289.2, NM_001243246.2); c.1601G>A (NM_022356.3); short protein forms S534N.
Identifiers: ClinVar variation 1466268 (VCV001466268.5), dbSNP rs761150997, ClinGen allele CA801763.

ClinVar aggregate classification (germline): Uncertain significance. Review status: criteria provided, multiple submitters, no conflicts (2 of 4 stars). 2 submissions from 2 submitters: Uncertain significance (2). Last evaluated 2026-05-19.

Conditions:
Osteogenesis imperfecta type 8 (OI8). Identifiers: MedGen C1970458, MONDO:0012581, OMIM 610915.

Allele frequency attached by ClinVar (database versions not stated): gnomAD exomes 0.00002; TOPMed 0.00006; gnomAD 0.00009 and 0.00010; ExAC 0.00002.
gnomAD v4.1: 26 of 1,613,964 alleles (0.0016%); highest among the groups gnomAD compares: African/African-American, 0.029%; no homozygotes.

Submissions (2):

GeneDx
Classification: Uncertain significance. Last evaluated: 2026-05-19. Review status: criteria provided, single submitter. Criteria: GeneDx Variant Classification Process June 2021. Collection method: clinical testing. Allele origin: germline.
Comment: In silico analysis suggests that this missense variant does not alter protein structure/function; Has not been previously published as pathogenic or benign to our knowledge

Labcorp Genetics (formerly Invitae), Labcorp
Classification: Uncertain significance for Osteogenesis imperfecta type 8. Last evaluated: 2022-08-10. Review status: criteria provided, single submitter. Criteria: Invitae Variant Classification Sherloc (09022015). Collection method: clinical testing. Allele origin: germline.
Comment: This sequence change replaces serine, which is neutral and polar, with asparagine, which is neutral and polar, at codon 534 of the P3H1 protein (p.Ser534Asn). This variant is present in population databases (rs761150997, gnomAD 0.03%). This variant has not been reported in the literature in individuals affected with P3H1-related conditions. ClinVar contains an entry for this variant (Variation ID: 1466268). Algorithms developed to predict the effect of missense changes on protein structure and function are either unavailable or do not agree on the potential impact of this missense change (SIFT: "Deleterious"; PolyPhen-2: "Benign"; Align-GVGD: "Class C0"). In summary, the available evidence is currently insufficient to determine the role of this variant in disease. Therefore, it has been classified as a Variant of Uncertain Significance.